The following is an entry in ClinVar:

ClinVar aggregate classification (germline): Uncertain significance. Review status: criteria provided, multiple submitters, no conflicts (2 of 4 stars). 2 submissions from 2 submitters: Uncertain significance (2). Last evaluated 2025-09-05.

Conditions:
Inborn genetic diseases. Identifiers: MedGen C0950123, MeSH D030342.

Allele frequency attached by ClinVar (database versions not stated): gnomAD exomes below 0.00001; ExAC 0.00001.
gnomAD v4.1: 6 of 1,614,108 alleles (0.00037%); highest among the groups gnomAD compares: South Asian, 0.0066%; no homozygotes.

Submissions (2):

Ambry Genetics
Classification: Uncertain significance for Inborn genetic diseases. Last evaluated: 2025-09-05. Review status: criteria provided, single submitter. Criteria: Ambry Variant Classification Scheme 2023. Collection method: clinical testing. Allele origin: germline.

Labcorp Genetics (formerly Invitae), Labcorp
Classification: Uncertain significance. Last evaluated: 2022-05-30. Review status: criteria provided, single submitter. Criteria: Invitae Variant Classification Sherloc (09022015). Collection method: clinical testing. Allele origin: germline.
Comment: This sequence change replaces valine, which is neutral and non-polar, with methionine, which is neutral and non-polar, at codon 2947 of the HSPG2 protein (p.Val2947Met). This variant is present in population databases (rs774559720, gnomAD 0.006%). This variant has not been reported in the literature in individuals affected with HSPG2-related conditions. Algorithms developed to predict the effect of missense changes on protein structure and function are either unavailable or do not agree on the potential impact of this missense change (SIFT: "Tolerated"; PolyPhen-2: "Probably Damaging"; Align-GVGD: "Class C0"). In summary, the available evidence is currently insufficient to determine the role of this variant in disease. Therefore, it has been classified as a Variant of Uncertain Significance.

NM_005529.7(HSPG2):c.8839G>A (p.Val2947Met)

Gene: HSPG2 (heparan sulfate proteoglycan 2; minus strand). Cytogenetic location: 1p36.12.
Variant type: single nucleotide variant.
Coding change: c.8839G>A on transcript NM_005529.7 (MANE Select); coding-DNA position 8839, G replaced by A.
Protein change: p.Val2947Met; replaces valine 2947 with methionine.
Molecular consequence: missense variant.
Genome position (GRCh38, 1-based): chr1:21,842,841, C>T on the plus strand (G>A on the coding strand, the complement: HSPG2 is on the minus strand). VCF-style: chr1-21842841-C-T. GRCh37 (hg19) VCF-style: chr1-22169334-C-T.
Other names: c.8839G>A (NM_005529.5); c.8842G>A, p.Val2948Met (NM_001291860.2); short protein forms V2948M, V2947M.
Identifiers: ClinVar variation 1910187 (VCV001910187.6), dbSNP rs774559720, ClinGen allele CA670643.